The following is an entry in ClinVar:

NM_005559.4(LAMA1):c.8705C>G (p.Ala2902Gly)

Gene: LAMA1 (laminin subunit alpha 1; minus strand). Cytogenetic location: 18p11.31.
Variant type: single nucleotide variant.
Coding change: c.8705C>G on transcript NM_005559.4 (MANE Select); coding-DNA position 8705, C replaced by G.
Protein change: p.Ala2902Gly; replaces alanine 2902 with glycine.
Molecular consequence: missense variant.
Genome position (GRCh38, 1-based): chr18:6,948,408, G>C on the plus strand (C>G on the coding strand, the complement: LAMA1 is on the minus strand). VCF-style: chr18-6948408-G-C. GRCh37 (hg19) VCF-style: chr18-6948407-G-C.
Other names: short protein forms A2902G.
Identifiers: ClinVar variation 4995039 (VCV004995039.1).

ClinVar aggregate classification (germline): Uncertain significance (1 of 4 stars; one submission).

Conditions:
LAMA1-related disorder. Also called: LAMA1-related condition; LAMA1-related disorders.

Submission:

PreventionGenetics, part of Exact Sciences
Classification: Uncertain significance for LAMA1-related condition. Last evaluated: 2026-08-11. Review status: criteria provided, single submitter. Criteria: ACMG Guidelines, 2015. Collection method: clinical testing. Allele origin: germline.
Comment: The LAMA1 c.8705C>G variant is predicted to result in the amino acid substitution p.Ala2902Gly. This variant is also predicted to alter splicing based on available splicing prediction programs (SpliceAI, Jaganathan et al. 2019. PubMed ID: 30661751). However, the use of computer prediction programs is not equivalent to functional evidence. To our knowledge, this variant has not been reported in the literature or in a large population database (gnomAD), indicating this variant is rare. At this time, the clinical significance of this variant is uncertain due to the absence of conclusive functional and genetic evidence.